The following is an entry in ClinVar:

ClinVar aggregate classification (germline): Benign/Likely benign. Review status: criteria provided, multiple submitters, no conflicts (2 of 4 stars). 3 submissions from 3 submitters: Benign (1); Likely benign (2). Last evaluated 2025-06-22.

Conditions:
Hereditary cancer-predisposing syndrome. Also called: Neoplastic Syndromes, Hereditary; Hereditary neoplastic syndrome; Hereditary Cancer Syndrome; Tumor predisposition. Identifiers: Orphanet 140162, MedGen C0027672, MeSH D009386, MONDO:0015356.
Multiple endocrine neoplasia, type 1 (MEN1). Also called: MEA I; MEN I; WERMER SYNDROME; Endocrine adenomatosis multiple; MEN 1. Identifiers: Orphanet 652, MedGen C0025267, MeSH D018761, MONDO:0007540, OMIM 131100.

Submissions (3):

Ambry Genetics
Classification: Likely benign for Hereditary cancer-predisposing syndrome. Last evaluated: 2025-06-22. Review status: criteria provided, single submitter. Criteria: Ambry Variant Classification Scheme 2023. Collection method: clinical testing. Allele origin: germline.

Myriad Genetics, Inc.
Classification: Benign for Multiple endocrine neoplasia, type 1. Last evaluated: 2024-11-01. Review status: criteria provided, single submitter. Criteria: Myriad Autosomal Dominant, Autosomal Recessive and X-Linked Classification Criteria (2023). Collection method: clinical testing. Allele origin: unknown.
Comment: This variant is considered benign. This variant is a silent/synonymous amino acid change and it is not expected to impact splicing.

Labcorp Genetics (formerly Invitae), Labcorp
Classification: Likely benign for Multiple endocrine neoplasia, type 1. Last evaluated: 2021-06-03. Review status: criteria provided, single submitter. Criteria: Invitae Variant Classification Sherloc (09022015). Collection method: clinical testing. Allele origin: germline.

NM_001370259.2(MEN1):c.627G>A (p.Gln209=)

Gene: MEN1 (menin 1; minus strand). Cytogenetic location: 11q13.1.
Variant type: single nucleotide variant.
Coding change: c.627G>A on transcript NM_001370259.2 (MANE Select); coding-DNA position 627, G replaced by A.
Protein change: p.Gln209=; no amino-acid change (glutamine 209 retained).
Molecular consequence: synonymous variant. On other transcripts: intron variant (2).
Genome position (GRCh38, 1-based): chr11:64,807,918, C>T on the plus strand (G>A on the coding strand, the complement: MEN1 is on the minus strand). VCF-style: chr11-64807918-C-T. GRCh37 (hg19) VCF-style: chr11-64575390-C-T.
Other names: c.627G>A (NM_130799.2); c.642G>A, p.Gln214= (NM_000244.4, NM_130803.3, NM_130804.3 and 3 more transcripts); c.627G>A, p.Gln209= (NM_001370251.2, NM_001370260.2, NM_001370261.2 and 1 more transcripts); c.549+78G>A (NM_001370263.2, NM_001370262.2).
Identifiers: ClinVar variation 1099154 (VCV001099154.11), dbSNP rs1565647751, ClinGen allele CA475162842.